The following is an entry in ClinVar:

NM_000257.4(MYH7):c.3779G>T (p.Arg1260Leu)

Gene: MYH7 (myosin heavy chain 7; minus strand). Cytogenetic location: 14q11.2.
Variant type: single nucleotide variant.
Coding change: c.3779G>T on transcript NM_000257.4 (MANE Select); coding-DNA position 3779, G replaced by T.
Protein change: p.Arg1260Leu; replaces arginine 1260 with leucine.
Molecular consequence: missense variant.
Genome position (GRCh38, 1-based): chr14:23,419,557, C>A on the plus strand (G>T on the coding strand, the complement: MYH7 is on the minus strand). VCF-style: chr14-23419557-C-A. GRCh37 (hg19) VCF-style: chr14-23888766-C-A.
Other names: c.3779G>T, p.Arg1260Leu (NM_001407004.1); short protein forms R1260L.
Identifiers: ClinVar variation 4801925 (VCV004801925.1).

ClinVar aggregate classification (germline): Uncertain significance (1 of 4 stars; one submission).

Conditions:
Hypertrophic cardiomyopathy. Also called: HYPERTROPHIC MYOCARDIOPATHY. Identifiers: Orphanet 217569, MedGen C0007194, MeSH D002312, MONDO:0005045, HP:0001639.

gnomAD v4.1: 1 of 1,613,902 alleles (0.000062%); highest among the groups gnomAD compares: South Asian, 0.0011%; no homozygotes.

Submission:

Labcorp Genetics (formerly Invitae), Labcorp
Classification: Uncertain significance for Hypertrophic cardiomyopathy. Last evaluated: 2025-08-25. Review status: criteria provided, single submitter. Criteria: Invitae Variant Classification Sherloc (09022015). Collection method: clinical testing. Allele origin: germline.
Comment: This sequence change replaces arginine, which is basic and polar, with leucine, which is neutral and non-polar, at codon 1260 of the MYH7 protein (p.Arg1260Leu). This variant is not present in population databases (gnomAD no frequency). This variant has not been reported in the literature in individuals affected with MYH7-related conditions. Invitae Evidence Modeling of protein sequence and biophysical properties (such as structural, functional, and spatial information, amino acid conservation, physicochemical variation, residue mobility, and thermodynamic stability) has been performed for this missense variant. However, the output from this modeling did not meet the statistical confidence thresholds required to predict the impact of this variant on MYH7 protein function. In summary, the available evidence is currently insufficient to determine the role of this variant in disease. Therefore, it has been classified as a Variant of Uncertain Significance.